The following is an entry in ClinVar:

NM_021969.3(NR0B2):c.451T>G (p.Cys151Gly)

Genes: NR0B2 (nuclear receptor subfamily 0 group B member 2; minus strand), NUDC (nuclear distribution C, dynein complex regulator; plus strand). Cytogenetic location: 1p36.11.
Variant type: single nucleotide variant.
Coding change: c.451T>G on transcript NM_021969.3 (MANE Select); coding-DNA position 451, T replaced by G.
Protein change: p.Cys151Gly; replaces cysteine 151 with glycine.
Molecular consequence: missense variant.
Genome position (GRCh38, 1-based): chr1:26,913,490, A>C on the plus strand (T>G on the coding strand, the complement: NR0B2 is on the minus strand). VCF-style: chr1-26913490-A-C. GRCh37 (hg19) VCF-style: chr1-27239981-A-C.
Other names: short protein forms C151G.
Identifiers: ClinVar variation 4998736 (VCV004998736.1).
Genomic context (GRCh38, chr1:26,913,490, plus strand): 5'-CTTTCAGGCAGGCATATTCCTTGGGGCTAAGCTCCAGGCTCCAGAAGGACTCCAGACAGC[A>C]TTGAAGCCACTGCACCGCAGCCAGGGAGGGCTGGGGTCTGTCTGGCAGTTGGCCACTGCC-3'
Protein context (NP_068804.1, residues 141-161): PSLAAVQWLQ[Cys151Gly]CLESFWSLEL

ClinVar aggregate classification (germline): Uncertain significance (1 of 4 stars; one submission).

Conditions:
NR0B2-related disorder. Also called: NR0B2-related condition.

gnomAD v4.1: 1 of 1,613,742 alleles (0.000062%); highest among the groups gnomAD compares: African/African-American, 0.0013%; no homozygotes.

Submission:

PreventionGenetics, part of Exact Sciences
Classification: Uncertain significance for NR0B2-related condition. Last evaluated: 2025-02-09. Review status: criteria provided, single submitter. Criteria: ACMG Guidelines, 2015. Collection method: clinical testing. Allele origin: germline.
Comment: The NR0B2 c.451T>G variant is predicted to result in the amino acid substitution p.Cys151Gly. To our knowledge, this variant has not been reported in the literature or in a large population database (gnomAD), indicating this variant is rare. At this time, the clinical significance of this variant is uncertain due to the absence of conclusive functional and genetic evidence.